The following is an entry in ClinVar:

ClinVar aggregate classification (germline): Conflicting classifications of pathogenicity. Review status: no assertion criteria provided (0 of 4 stars). 2 submissions from 2 submitters: Uncertain significance (1); Likely benign (1). Last evaluated 2024-05-16.

Conditions:
ARMC2-related disorder. Also called: ARMC2-related condition.

Allele frequency attached by ClinVar (database versions not stated): gnomAD exomes 0.00008 and 0.00025; ExAC 0.00026; 1000 Genomes Project 0.00060; gnomAD 0.00060; TOPMed 0.00060; 1000 Genomes Project 30x 0.00062; ESP Exome Variant Server 0.00069.
gnomAD v4.1: 204 of 1,613,012 alleles (0.013%); highest among the groups gnomAD compares: African/African-American, 0.18%; 2 homozygotes.

Submissions (2):

PreventionGenetics, part of Exact Sciences
Classification: Likely benign for ARMC2-related condition. Last evaluated: 2024-05-16. Review status: no assertion criteria provided. Collection method: clinical testing. Allele origin: germline.
Comment: This variant is classified as likely benign based on ACMG/AMP sequence variant interpretation guidelines (Richards et al. 2015 PMID: 25741868, with internal and published modifications).

Department of Pathology and Laboratory Medicine, Sinai Health System
Classification: Uncertain significance. Review status: no assertion criteria provided. Collection method: clinical testing. Allele origin: unknown. Affected: yes. Study: The Canadian Open Genetics Repository (COGR).
Comment: The ARMC2 p.Ile185Val variant was not identified in the literature nor was it identified in ClinVar or LOVD 3.0. The variant was identified in dbSNP (ID: rs143895116) and in control databases in 83 of 281460 chromosomes (1 homozygous) at a frequency of 0.0002949 (Genome Aggregation Database March 6, 2019, v2.1.1). The variant was observed in the following populations: African in 47 of 24916 chromosomes (freq: 0.001886), East Asian in 33 of 19942 chromosomes (freq: 0.001655), South Asian in 2 of 30244 chromosomes (freq: 0.000066) and Latino in 1 of 35164 chromosomes (freq: 0.000028), but was not observed in the Ashkenazi Jewish, European (Finnish), European (non-Finnish), or Other populations. The p.Ile185 residue is not conserved in mammals and computational analyses (PolyPhen-2, SIFT, AlignGVGD, BLOSUM, MutationTaster) do not suggest a high likelihood of impact to the protein; however, this information is not predictive enough to rule out pathogenicity. The variant occurs outside of the splicing consensus sequence and in silico or computational prediction software programs (SpliceSiteFinder, MaxEntScan, NNSPLICE, GeneSplicer) do not predict a difference in splicing. In summary, based on the above information the clinical significance of this variant cannot be determined with certainty at this time. This variant is classified as a variant of uncertain significance.

NM_032131.6(ARMC2):c.553A>G (p.Ile185Val)

Gene: ARMC2 (armadillo repeat containing 2; plus strand). Cytogenetic location: 6q21.
Variant type: single nucleotide variant.
Coding change: c.553A>G on transcript NM_032131.6 (MANE Select); coding-DNA position 553, A replaced by G.
Protein change: p.Ile185Val; replaces isoleucine 185 with valine.
Molecular consequence: missense variant.
Genome position (GRCh38, 1-based): chr6:108,876,232, A>G. VCF-style: chr6-108876232-A-G. GRCh37 (hg19) VCF-style: chr6-109197435-A-G.
Other names: c.58A>G, p.Ile20Val (NM_001286609.2); c.553A>G (NM_032131.5); short protein forms I185V, I20V.
Identifiers: ClinVar variation 1049935 (VCV001049935.2), dbSNP rs143895116, ClinGen allele CA3949664.